The following is an entry in ClinVar:

ClinVar aggregate classification (germline): Pathogenic/Likely pathogenic. Review status: criteria provided, multiple submitters, no conflicts (2 of 4 stars). 3 submissions from 3 submitters: Pathogenic (1); Likely pathogenic (2). Last evaluated 2026-06-02.

Conditions:
CLASP1-related disorder. Also called: CLASP1-related condition.
Roifman syndrome (RFMN). Also called: SPONDYLOEPIPHYSEAL DYSPLASIA, RETINAL DYSTROPHY, AND ANTIBODY DEFICIENCY. Identifiers: Orphanet 353298, MedGen C1846059, MONDO:0014722, OMIM 616651.

Allele frequency attached by ClinVar (database versions not stated): TOPMed 0.00002.
gnomAD v4.1: 21 of 700,162 alleles (0.003%); highest among the groups gnomAD compares: East Asian, 0.011%; no homozygotes.

Submissions (3):

PreventionGenetics, part of Exact Sciences
Classification: Likely pathogenic for CLASP1-related condition. Last evaluated: 2026-06-02. Review status: criteria provided, single submitter. Criteria: ACMG Guidelines, 2015. Collection method: clinical testing. Allele origin: germline.
Comment: The CLASP1 c.196-670T>C variant is predicted to interfere with splicing. This variant has been reported in the compound heterozygous state in at least two individuals with Roifman syndrome (Schejter et al 2017. PubMed ID: 29263834; Ballios et al. 2023. PubMed ID: 37225827). This variant is reported in 0.0061% of alleles in individuals of European (non-Finnish) descent in gnomAD. Different variants affecting the same nucleotide (RNU4ATAC: n.116A>T and n.116A>C) were also reported in multiple individuals with Roifman syndrome (Bogaert et al. 2017. PubMed ID: 28623346; Hallermayr et al. 2018. PubMed ID: 30455926). This variant is interpreted as likely pathogenic.

Labcorp Genetics (formerly Invitae), Labcorp
Classification: Pathogenic. Last evaluated: 2025-08-18. Review status: criteria provided, single submitter. Criteria: Invitae Variant Classification Sherloc (09022015). Collection method: clinical testing. Allele origin: germline.
Comment: This variant occurs in the RNU4ATAC gene, which encodes an RNA molecule that does not result in a protein product. This variant is present in population databases (no rsID available, gnomAD 0.006%). This variant has been observed in individual(s) with Roifman syndrome (PMID: 29263834, 37225827; external communication). In at least one individual the data is consistent with being in trans (on the opposite chromosome) from a pathogenic variant. ClinVar contains an entry for this variant (Variation ID: 870579). This variant is located within the Sm protein-binding region of the RNU4ATAC RNA, which is important for small nuclear RNA maturation (PMID: 32628740). A significant number of disease-associated RNU4ATAC variants are found in this region (PMID: 32628740, 30368667). For these reasons, this variant has been classified as Pathogenic.

Undiagnosed Diseases Network, NIH
Classification: Likely pathogenic for Roifman syndrome. Last evaluated: 2019-10-02. Review status: criteria provided, single submitter. Criteria: ACMG Guidelines, 2015. Collection method: clinical testing. Allele origin: unknown. Inheritance: Autosomal recessive inheritance. Affected: yes. Observed: 1 variant allele, 1 compound heterozygote.

Literature cited by the submitters: PubMed 29263834 (cited by Labcorp Genetics (formerly Invitae), Labcorp); PubMed 37225827 (cited by Labcorp Genetics (formerly Invitae), Labcorp); PubMed 32628740 (cited by Labcorp Genetics (formerly Invitae), Labcorp); PubMed 30368667 (cited by Labcorp Genetics (formerly Invitae), Labcorp).

NM_001395891.1(CLASP1):c.196-670T>C

Genes: CLASP1 (cytoplasmic linker associated protein 1; minus strand), CLASP1-AS1 (CLASP1 antisense RNA 1; plus strand), RNU4ATAC (RNA, U4atac small nuclear; plus strand). Cytogenetic location: 2q14.2.
Variant type: single nucleotide variant.
Coding change: c.196-670T>C on transcript NM_001395891.1 (MANE Select); 670 bases into the intron before coding-DNA position 196, T replaced by C.
Molecular consequence: intron variant.
Genome position (GRCh38, 1-based): chr2:121,530,995, A>G on the plus strand (T>C on the coding strand, the complement: CLASP1 is on the minus strand). VCF-style: chr2-121530995-A-G. GRCh37 (hg19) VCF-style: chr2-122288571-A-G.
Other names: c.196-670T>C (NM_015282.2, NM_001142274.2, NM_015282.3 and 5 more transcripts).
Identifiers: ClinVar variation 870579 (VCV000870579.10), dbSNP rs982261295, ClinGen allele CA54811025.
Genomic context (GRCh38, chr2:121,530,995, plus strand): 5'-TACTGCTAACGCCTGAACAACACACCCGCATCAACTAGAGCTTTTGCTTTATTTTGGTGC[A>G]ATTTTTGGAAAAATGAAAACCTGTTTTCATAGACTTATCAGTTCAAACAGCAGTAATTCG-3'